The following is an entry in ClinVar:

NM_004655.4(AXIN2):c.2388C>G (p.Ser796Arg)

Gene: AXIN2 (axin 2; minus strand). Cytogenetic location: 17q24.1.
Variant type: single nucleotide variant.
Coding change: c.2388C>G on transcript NM_004655.4 (MANE Select); coding-DNA position 2388, C replaced by G.
Protein change: p.Ser796Arg; replaces serine 796 with arginine.
Molecular consequence: missense variant.
Genome position (GRCh38, 1-based): chr17:65,533,929, G>C on the plus strand (C>G on the coding strand, the complement: AXIN2 is on the minus strand). VCF-style: chr17-65533929-G-C. GRCh37 (hg19) VCF-style: chr17-63530047-G-C.
Other names: c.2193C>G, p.Ser731Arg (NM_001363813.1); short protein forms S731R, S796R.
Identifiers: ClinVar variation 1021845 (VCV001021845.10), dbSNP rs2043865242, ClinGen allele CA400675352.

ClinVar aggregate classification (germline): Uncertain significance. Review status: criteria provided, multiple submitters, no conflicts (2 of 4 stars). 3 submissions from 3 submitters: Uncertain significance (3). Last evaluated 2025-11-17.

Conditions:
Oligodontia-cancer predisposition syndrome. Also called: TOOTH AGENESIS-COLORECTAL CANCER SYNDROME. Identifiers: Orphanet 300576, MedGen C1837750, MONDO:0012075, OMIM 608615. Disease mechanism: loss of function.
Hereditary cancer-predisposing syndrome. Also called: Hereditary Cancer Syndrome; Neoplastic Syndromes, Hereditary; Tumor predisposition; Hereditary neoplastic syndrome. Identifiers: Orphanet 140162, MedGen C0027672, MeSH D009386, MONDO:0015356.

Submissions (3):

Labcorp Genetics (formerly Invitae), Labcorp
Classification: Uncertain significance for Oligodontia-cancer predisposition syndrome. Last evaluated: 2025-11-17. Review status: criteria provided, single submitter. Criteria: Invitae Variant Classification Sherloc (09022015). Collection method: clinical testing. Allele origin: germline.
Comment: This sequence change replaces serine, which is neutral and polar, with arginine, which is basic and polar, at codon 796 of the AXIN2 protein (p.Ser796Arg). This variant is not present in population databases (gnomAD no frequency). This variant has not been reported in the literature in individuals affected with AXIN2-related conditions. ClinVar contains an entry for this variant (Variation ID: 1021845). Invitae Evidence Modeling of protein sequence and biophysical properties (such as structural, functional, and spatial information, amino acid conservation, physicochemical variation, residue mobility, and thermodynamic stability) indicates that this missense variant is not expected to disrupt AXIN2 protein function with a negative predictive value of 80%. In summary, the available evidence is currently insufficient to determine the role of this variant in disease. Therefore, it has been classified as a Variant of Uncertain Significance.

Sema4
Classification: Uncertain significance for Hereditary cancer-predisposing syndrome. Last evaluated: 2022-03-15. Review status: criteria provided, single submitter. Criteria: Sema4 Curation Guidelines. Collection method: curation. Allele origin: germline.
Comment: The AXIN2 c.2388C>G (p.S796R) variant has not been reported in the literature to our knowledge. It was not observed in the large and broad cohorts of the Genome Aggregation Database (PMID: 32461654). This variant has been reported in ClinVar (Variation ID: 1021845). Functional studies have not been performed, and in silico predictions of the variant's effect on protein function are inconclusive. The evidence is insufficient to meet ACMG/AMP criteria for classifying the variant as benign or pathogenic. Thus, the clinical significance of this variant is currently uncertain.

Ambry Genetics
Classification: Uncertain significance for Hereditary cancer-predisposing syndrome. Last evaluated: 2022-03-14. Review status: criteria provided, single submitter. Criteria: Ambry Variant Classification Scheme 2023. Collection method: clinical testing. Allele origin: germline.
Comment: The p.S796R variant (also known as c.2388C>G), located in coding exon 9 of the AXIN2 gene, results from a C to G substitution at nucleotide position 2388. The serine at codon 796 is replaced by arginine, an amino acid with dissimilar properties. This amino acid position is conserved. In addition, this alteration is predicted to be tolerated by in silico analysis. Since supporting evidence is limited at this time, the clinical significance of this alteration remains unclear.